The following is an entry in ClinVar:

ClinVar aggregate classification (germline): Uncertain significance (1 of 4 stars; one submission).

gnomAD v4.1: 12 of 1,529,836 alleles (0.00078%); highest among the groups gnomAD compares: Non-Finnish European, 0.00096%; no homozygotes.

Submission:

Labcorp Genetics (formerly Invitae), Labcorp
Classification: Uncertain significance. Last evaluated: 2022-01-04. Review status: criteria provided, single submitter. Criteria: Invitae Variant Classification Sherloc (09022015). Collection method: clinical testing. Allele origin: germline.
Comment: In summary, the available evidence is currently insufficient to determine the role of this variant in disease. Therefore, it has been classified as a Variant of Uncertain Significance. This sequence change replaces arginine, which is basic and polar, with proline, which is neutral and non-polar, at codon 1376 of the TONSL protein (p.Arg1376Pro). The frequency data for this variant in the population databases is considered unreliable, as metrics indicate poor data quality at this position in the gnomAD database. This variant has not been reported in the literature in individuals affected with TONSL-related conditions. Algorithms developed to predict the effect of missense changes on protein structure and function are either unavailable or do not agree on the potential impact of this missense change (SIFT: "Deleterious"; PolyPhen-2: "Possibly Damaging"; Align-GVGD: "Class C0").

NM_013432.5(TONSL):c.4127G>C (p.Arg1376Pro)

Gene: TONSL (tonsoku like, DNA repair protein; minus strand). Cytogenetic location: 8q24.3.
Variant type: single nucleotide variant.
Coding change: c.4127G>C on transcript NM_013432.5 (MANE Select); coding-DNA position 4127, G replaced by C.
Protein change: p.Arg1376Pro; replaces arginine 1376 with proline.
Molecular consequence: missense variant.
Genome position (GRCh38, 1-based): chr8:144,429,153, C>G on the plus strand (G>C on the coding strand, the complement: TONSL is on the minus strand). VCF-style: chr8-144429153-C-G. GRCh37 (hg19) VCF-style: chr8-145654536-C-G.
Other names: short protein forms R1376P.
Identifiers: ClinVar variation 2181875 (VCV002181875.3), dbSNP rs1264402952, ClinGen allele CA372636554.